The following is an entry in ClinVar:

NM_138576.4(BCL11B):c.363C>T (p.Pro121=)

Gene: BCL11B (BCL11 transcription factor B; minus strand). Cytogenetic location: 14q32.2.
Variant type: single nucleotide variant.
Coding change: c.363C>T on transcript NM_138576.4 (MANE Select); coding-DNA position 363, C replaced by T.
Protein change: p.Pro121=; no amino-acid change (proline 121 retained).
Molecular consequence: synonymous variant.
Genome position (GRCh38, 1-based): chr14:99,257,535, G>A on the plus strand (C>T on the coding strand, the complement: BCL11B is on the minus strand). VCF-style: chr14-99257535-G-A. GRCh37 (hg19) VCF-style: chr14-99723872-G-A.
Other names: c.360C>T, p.Pro120= (NM_001282237.2, NM_001282238.2); c.363C>T, p.Pro121= (NM_022898.3).
Identifiers: ClinVar variation 734631 (VCV000734631.27), dbSNP rs370892505, ClinGen allele CA7339906.

ClinVar aggregate classification (germline): Likely benign. Review status: criteria provided, multiple submitters, no conflicts (2 of 4 stars). 3 submissions from 3 submitters: Likely benign (3). Last evaluated 2025-06-15.

Allele frequency attached by ClinVar (database versions not stated): gnomAD exomes 0.00004 and 0.00008; ExAC 0.00008; gnomAD 0.00014 and 0.00016; 1000 Genomes Project 0.00020; TOPMed 0.00023; 1000 Genomes Project 30x 0.00031; ESP Exome Variant Server 0.00031.
gnomAD v4.1: 75 of 1,613,792 alleles (0.0046%); highest among the groups gnomAD compares: African/African-American, 0.067%; no homozygotes.

Submissions (3):

Labcorp Genetics (formerly Invitae), Labcorp
Classification: Likely benign. Last evaluated: 2025-06-15. Review status: criteria provided, single submitter. Criteria: Invitae Variant Classification Sherloc (09022015). Collection method: clinical testing. Allele origin: germline.

Blueprint Genetics
Classification: Likely benign. Last evaluated: 2024-11-11. Review status: criteria provided, single submitter. Criteria: ACMG Guidelines, 2015. Collection method: clinical testing. Allele origin: germline.

CeGaT Center for Human Genetics Tuebingen
Classification: Likely benign. Last evaluated: 2024-07-01. Review status: criteria provided, single submitter. Criteria: CeGaT Center For Human Genetics Tuebingen Variant Classification Criteria Version 2. Collection method: clinical testing. Allele origin: germline. Affected: yes. Observed: 1 variant allele.
Comment: BCL11B: BP4, BP7